The following is an entry in ClinVar:

NM_000343.4(SLC5A1):c.1156A>G (p.Met386Val)

Gene: SLC5A1 (solute carrier family 5 member 1; plus strand). Cytogenetic location: 22q12.3.
Variant type: single nucleotide variant.
Coding change: c.1156A>G on transcript NM_000343.4 (MANE Select); coding-DNA position 1156, A replaced by G.
Protein change: p.Met386Val; replaces methionine 386 with valine.
Molecular consequence: missense variant.
Genome position (GRCh38, 1-based): chr22:32,091,638, A>G. VCF-style: chr22-32091638-A-G. GRCh37 (hg19) VCF-style: chr22-32487625-A-G.
Other names: c.775A>G, p.Met259Val (NM_001256314.2); short protein forms M259V, M386V.
Identifiers: ClinVar variation 1017459 (VCV001017459.7), dbSNP rs200964696, ClinGen allele CA323379113.

ClinVar aggregate classification (germline): Uncertain significance (1 of 4 stars; one submission).

Conditions:
Congenital glucose-galactose malabsorption (GGM). Also called: MONOSACCHARIDE MALABSORPTION; DIARRHEA 16. Identifiers: Orphanet 35710, MedGen C0268186, MONDO:0011731, OMIM 606824.

Allele frequency attached by ClinVar (database versions not stated): gnomAD exomes 0.00001; TOPMed 0.00001; gnomAD 0.00002.
gnomAD v4.1: 6 of 1,614,058 alleles (0.00037%); highest among the groups gnomAD compares: Non-Finnish European, 0.00051%; no homozygotes.

Submission:

Labcorp Genetics (formerly Invitae), Labcorp
Classification: Uncertain significance for Congenital glucose-galactose malabsorption. Last evaluated: 2023-12-11. Review status: criteria provided, single submitter. Criteria: Invitae Variant Classification Sherloc (09022015). Collection method: clinical testing. Allele origin: germline.
Comment: This sequence change replaces methionine, which is neutral and non-polar, with valine, which is neutral and non-polar, at codon 386 of the SLC5A1 protein (p.Met386Val). This variant is present in population databases (rs200964696, gnomAD 0.002%). This variant has not been reported in the literature in individuals affected with SLC5A1-related conditions. ClinVar contains an entry for this variant (Variation ID: 1017459). Advanced modeling of protein sequence and biophysical properties (such as structural, functional, and spatial information, amino acid conservation, physicochemical variation, residue mobility, and thermodynamic stability) performed at Invitae indicates that this missense variant is not expected to disrupt SLC5A1 protein function with a negative predictive value of 80%. In summary, the available evidence is currently insufficient to determine the role of this variant in disease. Therefore, it has been classified as a Variant of Uncertain Significance.